The following is an entry in ClinVar:

NM_003200.5(TCF3):c.1933A>C (p.Ser645Arg)

Gene: TCF3 (transcription factor 3; minus strand). Cytogenetic location: 19p13.3.
Variant type: single nucleotide variant.
Coding change: c.1933A>C on transcript NM_003200.5 (MANE Select); coding-DNA position 1933, A replaced by C.
Protein change: p.Ser645Arg; replaces serine 645 with arginine.
Molecular consequence: missense variant.
Genome position (GRCh38, 1-based): chr19:1,611,739, T>G on the plus strand (A>C on the coding strand, the complement: TCF3 is on the minus strand). VCF-style: chr19-1611739-T-G. GRCh37 (hg19) VCF-style: chr19-1611738-T-G.
Other names: c.1924A>C, p.Ser642Arg (NM_001136139.4, NM_001351779.2); c.1930A>C, p.Ser644Arg (NM_001351778.2); c.1933A>C (NM_003200.3); short protein forms S642R, S644R, S645R.
Identifiers: ClinVar variation 2070371 (VCV002070371.5), dbSNP rs2061002139, ClinGen allele CA403048061.

ClinVar aggregate classification (germline): Uncertain significance. Review status: criteria provided, multiple submitters, no conflicts (2 of 4 stars). 2 submissions from 2 submitters: Uncertain significance (2). Last evaluated 2025-10-15.

Conditions:
Inborn genetic diseases. Identifiers: MedGen C0950123, MeSH D030342.

Allele frequency attached by ClinVar (database versions not stated): gnomAD 0.00001; TOPMed below 0.00001; gnomAD exomes 0.00002.
gnomAD v4.1: 24 of 1,613,358 alleles (0.0015%); highest among the groups gnomAD compares: Non-Finnish European, 0.0019%; no homozygotes.

Submissions (2):

Ambry Genetics
Classification: Uncertain significance for Inborn genetic diseases. Last evaluated: 2025-10-15. Review status: criteria provided, single submitter. Criteria: Ambry Variant Classification Scheme 2023. Collection method: clinical testing. Allele origin: germline.

Labcorp Genetics (formerly Invitae), Labcorp
Classification: Uncertain significance. Last evaluated: 2022-07-19. Review status: criteria provided, single submitter. Criteria: Invitae Variant Classification Sherloc (09022015). Collection method: clinical testing. Allele origin: germline.
Comment: In summary, the available evidence is currently insufficient to determine the role of this variant in disease. Therefore, it has been classified as a Variant of Uncertain Significance. Experimental studies and prediction algorithms are not available or were not evaluated, and the functional significance of this variant is currently unknown. This variant has not been reported in the literature in individuals affected with TCF3-related conditions. This variant is not present in population databases (gnomAD no frequency). This sequence change replaces serine, which is neutral and polar, with arginine, which is basic and polar, at codon 645 of the TCF3 protein (p.Ser645Arg).